The following is an entry in ClinVar:

NM_001033855.3(DCLRE1C):c.1867A>G (p.Thr623Ala)

Gene: DCLRE1C (DNA cross-link repair 1C; minus strand). Cytogenetic location: 10p13.
Variant type: single nucleotide variant.
Coding change: c.1867A>G on transcript NM_001033855.3 (MANE Select); coding-DNA position 1867, A replaced by G.
Protein change: p.Thr623Ala; replaces threonine 623 with alanine.
Molecular consequence: missense variant. On other transcripts: non-coding transcript variant (3), intron variant (3).
Genome position (GRCh38, 1-based): chr10:14,908,620, T>C on the plus strand (A>G on the coding strand, the complement: DCLRE1C is on the minus strand). VCF-style: chr10-14908620-T-C. GRCh37 (hg19) VCF-style: chr10-14950619-T-C.
Other names: c.1507A>G, p.Thr503Ala (NM_001033857.3, NM_001033858.3, NM_001289077.2 and 1 more transcripts); c.1522A>G, p.Thr508Ala (NM_001289076.2, NM_001289078.2, NM_022487.4); c.1437+85A>G (NM_001350966.2); c.1782+85A>G (NM_001350965.2); c.1422+85A>G (NM_001350967.2); c.1867A>G (NM_001033855.1); short protein forms T508A, T503A, T623A.
Identifiers: ClinVar variation 854981 (VCV000854981.10), dbSNP rs1328876117, ClinGen allele CA376074388.
Genomic context (GRCh38, chr10:14,908,620, plus strand): 5'-CATTTGTGCTAAGATTTAGCAAACTTTTTTCCTCGGGTATATGTGTCTCACTGCTTAGAG[T>C]AGTTGGTTCTCCAGTACTAGGAACTATTGTCACATCTTTATCTCTGCTTTTCAAATCAGA-3'
Protein context (NP_001029027.1, residues 613-633): TIVPSTGEPT[Thr623Ala]LSSETHIPEE

ClinVar aggregate classification (germline): Uncertain significance. Review status: criteria provided, multiple submitters, no conflicts (2 of 4 stars). 3 submissions from 3 submitters: Uncertain significance (2). 1 of the submissions does not count toward it. Last evaluated 2024-10-14.

Conditions:
Athabaskan severe combined immunodeficiency (SCIDA). Also called: Severe combined immunodeficiency, athabascan-type. Identifiers: MedGen C1865370.
Severe combined immunodeficiency due to DCLRE1C deficiency (RS-SCID). Also called: SCID, AUTOSOMAL RECESSIVE, T CELL-NEGATIVE, B CELL-NEGATIVE, NK CELL-POSITIVE, WITH SENSITIVITY TO IONIZING RADIATION. Identifiers: Orphanet 275, MedGen C1865371, MONDO:0011225, OMIM 602450.
Inborn genetic diseases. Identifiers: MedGen C0950123, MeSH D030342.

Allele frequency attached by ClinVar (database versions not stated): TOPMed below 0.00001; gnomAD 0.00001; gnomAD exomes 0.00001.
gnomAD v4.1: 8 of 1,613,958 alleles (0.0005%); highest among the groups gnomAD compares: Admixed American, 0.005%; no homozygotes.

Submissions (3):

Labcorp Genetics (formerly Invitae), Labcorp
Classification: Uncertain significance for Athabaskan severe combined immunodeficiency. Last evaluated: 2024-10-14. Review status: criteria provided, single submitter. Criteria: Invitae Variant Classification Sherloc (09022015). Collection method: clinical testing. Allele origin: germline.
Comment: This sequence change replaces threonine, which is neutral and polar, with alanine, which is neutral and non-polar, at codon 623 of the DCLRE1C protein (p.Thr623Ala). This variant is present in population databases (no rsID available, gnomAD 0.006%). This variant has not been reported in the literature in individuals affected with DCLRE1C-related conditions. ClinVar contains an entry for this variant (Variation ID: 854981). An algorithm developed to predict the effect of missense changes on protein structure and function outputs the following: PolyPhen-2: "Benign". The alanine amino acid residue is found in multiple mammalian species, which suggests that this missense change does not adversely affect protein function. In summary, the available evidence is currently insufficient to determine the role of this variant in disease. Therefore, it has been classified as a Variant of Uncertain Significance.

Ambry Genetics
Classification: Uncertain significance for Inborn genetic diseases. Last evaluated: 2024-09-30. Review status: criteria provided, single submitter. Criteria: Ambry Variant Classification Scheme 2023. Collection method: clinical testing. Allele origin: germline.

Natera, Inc.
Classification: Uncertain significance for Athabascan severe combined immunodeficiency. Last evaluated: 2020-08-20. Review status: no assertion criteria provided. Collection method: clinical testing. Allele origin: germline. Not counted in ClinVar's aggregate classification.